The following is an entry in ClinVar:

ClinVar aggregate classification (germline): Uncertain significance (0 of 4 stars; one submission).

Submission:

Department of Pathology and Laboratory Medicine, Sinai Health System
Classification: Uncertain significance. Review status: no assertion criteria provided. Collection method: clinical testing. Allele origin: unknown. Affected: yes. Study: The Canadian Open Genetics Repository (COGR).
Comment: The PIEZO2 p.Phe1294Cys variant was not identified in the literature nor was it identified in dbSNP, ClinVar or in the following control databases: the 1000 Genomes Project, the NHLBI GO Exome Sequencing Project, the Exome Aggregation Consortium (August 8th 2016), or the Genome Aggregation Database (March 6, 2019, v2.1.1). The p.Phe1294 residue is conserved across mammals and other organisms, and four out of five computational analyses (PolyPhen-2, SIFT, AlignGVGD, BLOSUM, MutationTaster) suggest that the variant may impact the protein; however, this information is not predictive enough to assume pathogenicity. The variant occurs outside of the splicing consensus sequence and in silico or computational prediction software programs (SpliceSiteFinder, MaxEntScan, NNSPLICE, GeneSplicer) do not predict a difference in splicing. In summary, based on the above information the clinical significance of this variant cannot be determined with certainty at this time. This variant is classified as a variant of uncertain significance.

NM_001378183.1(PIEZO2):c.3956T>G (p.Phe1319Cys)

Gene: PIEZO2 (piezo type mechanosensitive ion channel component 2; minus strand). Cytogenetic location: 18p11.22.
Variant type: single nucleotide variant.
Coding change: c.3956T>G on transcript NM_001378183.1 (MANE Select); coding-DNA position 3956, T replaced by G.
Protein change: p.Phe1319Cys; replaces phenylalanine 1319 with cysteine.
Molecular consequence: missense variant.
Genome position (GRCh38, 1-based): chr18:10,752,847, A>C on the plus strand (T>G on the coding strand, the complement: PIEZO2 is on the minus strand). VCF-style: chr18-10752847-A-C. GRCh37 (hg19) VCF-style: chr18-10752845-A-C.
Other names: c.3881T>G, p.Phe1294Cys (NM_022068.4); short protein forms F1294C, F1319C.
Identifiers: ClinVar variation 1049944 (VCV001049944.1), dbSNP rs2143770600, ClinGen allele CA401920076.